The following is an entry in ClinVar:

NM_022367.4(SEMA4A):c.209G>C (p.Ser70Thr)

Gene: SEMA4A (semaphorin 4A; plus strand). Cytogenetic location: 1q22.
Variant type: single nucleotide variant.
Coding change: c.209G>C on transcript NM_022367.4 (MANE Select); coding-DNA position 209, G replaced by C.
Protein change: p.Ser70Thr; replaces serine 70 with threonine.
Molecular consequence: missense variant. On other transcripts: 5 prime UTR variant (4).
Genome position (GRCh38, 1-based): chr1:156,156,483, G>C. VCF-style: chr1-156156483-G-C. GRCh37 (hg19) VCF-style: chr1-156126274-G-C.
Other names: c.209G>C, p.Ser70Thr (NM_001193300.2, NM_001193301.2, NM_001370567.1); c.-89G>C (NM_001193302.2, NM_001370568.1); c.-316G>C (NM_001370569.1, NM_001370571.1); short protein forms S70T.
Identifiers: ClinVar variation 3680266 (VCV003680266.3).

ClinVar aggregate classification (germline): Uncertain significance. Review status: criteria provided, multiple submitters, no conflicts (2 of 4 stars). 2 submissions from 2 submitters: Uncertain significance (2). Last evaluated 2024-04-03.

gnomAD v4.1: 1 of 1,614,182 alleles (0.000062%); highest among the groups gnomAD compares: Non-Finnish European, 0.000085%; no homozygotes.

Submissions (2):

Labcorp Genetics (formerly Invitae), Labcorp
Classification: Uncertain significance. Last evaluated: 2024-04-03. Review status: criteria provided, single submitter. Criteria: Invitae Variant Classification Sherloc (09022015). Collection method: clinical testing. Allele origin: germline.
Comment: This sequence change replaces serine, which is neutral and polar, with threonine, which is neutral and polar, at codon 70 of the SEMA4A protein (p.Ser70Thr). This variant is not present in population databases (gnomAD no frequency). This variant has not been reported in the literature in individuals affected with SEMA4A-related conditions. Advanced modeling of protein sequence and biophysical properties (such as structural, functional, and spatial information, amino acid conservation, physicochemical variation, residue mobility, and thermodynamic stability) performed at Invitae indicates that this missense variant is not expected to disrupt SEMA4A protein function with a negative predictive value of 80%. In summary, the available evidence is currently insufficient to determine the role of this variant in disease. Therefore, it has been classified as a Variant of Uncertain Significance.

Blueprint Genetics
Classification: Uncertain significance. Last evaluated: 2022-06-16. Review status: criteria provided, single submitter. Criteria: ACMG Guidelines, 2015. Collection method: clinical testing. Allele origin: germline.